The following is an entry in ClinVar:

ClinVar aggregate classification (germline): Uncertain significance (1 of 4 stars; one submission).

Conditions:
Fanconi anemia (FA). Also called: Fanconi's anemia. Identifiers: Orphanet 84, MedGen C0015625, MeSH D005199, MONDO:0019391.

Allele frequency attached by ClinVar (database versions not stated): gnomAD exomes below 0.00001.
gnomAD v4.1: 6 of 1,614,134 alleles (0.00037%); highest among the groups gnomAD compares: Admixed American, 0.0033%; no homozygotes.

Submission:

Labcorp Genetics (formerly Invitae), Labcorp
Classification: Uncertain significance for Fanconi anemia. Last evaluated: 2022-02-28. Review status: criteria provided, single submitter. Criteria: Invitae Variant Classification Sherloc (09022015). Collection method: clinical testing. Allele origin: germline.
Comment: This sequence change replaces histidine, which is basic and polar, with tyrosine, which is neutral and polar, at codon 716 of the FANCA protein (p.His716Tyr). This variant is present in population databases (no rsID available, gnomAD 0.0009%). This variant has not been reported in the literature in individuals affected with FANCA-related conditions. Advanced modeling of protein sequence and biophysical properties (such as structural, functional, and spatial information, amino acid conservation, physicochemical variation, residue mobility, and thermodynamic stability) performed at Invitae indicates that this missense variant is not expected to disrupt FANCA protein function. In summary, the available evidence is currently insufficient to determine the role of this variant in disease. Therefore, it has been classified as a Variant of Uncertain Significance.

NM_000135.4(FANCA):c.2146C>T (p.His716Tyr)

Gene: FANCA (FA complementation group A; minus strand). Cytogenetic location: 16q24.3.
Variant type: single nucleotide variant.
Coding change: c.2146C>T on transcript NM_000135.4 (MANE Select); coding-DNA position 2146, C replaced by T.
Protein change: p.His716Tyr; replaces histidine 716 with tyrosine.
Molecular consequence: missense variant.
Genome position (GRCh38, 1-based): chr16:89,771,683, G>A on the plus strand (C>T on the coding strand, the complement: FANCA is on the minus strand). VCF-style: chr16-89771683-G-A. GRCh37 (hg19) VCF-style: chr16-89838091-G-A.
Other names: c.2146C>T, p.His716Tyr (NM_001286167.3); short protein forms H716Y.
Identifiers: ClinVar variation 1968022 (VCV001968022.2), dbSNP rs754896727, ClinGen allele CA397447890.